The following is an entry in ClinVar:

ClinVar aggregate classification (germline): Uncertain significance. Review status: criteria provided, multiple submitters, no conflicts (2 of 4 stars). 5 submissions from 5 submitters: Uncertain significance (5). Last evaluated 2025-12-10.

Conditions:
Hereditary cancer-predisposing syndrome. Also called: Tumor predisposition; Hereditary neoplastic syndrome; Hereditary Cancer Syndrome; Neoplastic Syndromes, Hereditary. Identifiers: Orphanet 140162, MedGen C0027672, MeSH D009386, MONDO:0015356.
Ataxia-telangiectasia syndrome (AT). Also called: Ataxia-telangiectasia; Ataxia-telangiectasia, complementation group D; AT, COMPLEMENTATION GROUP C; ATAXIA-TELANGIECTASIA, COMPLEMENTATION GROUP A; ATAXIA-TELANGIECTASIA, FRESNO VARIANT; Ataxia-telangiectasia, complementation group E. Identifiers: Orphanet 100, MedGen C0004135, MONDO:0008840, OMIM 208900.
Familial cancer of breast. Also called: BREAST CANCER, FAMILIAL; Hereditary breast cancer; hereditary breast carcinoma. Identifiers: Orphanet 227535, MedGen C0346153, MONDO:0016419, OMIM 114480. Disease mechanism: loss of function.

Submissions (5):

Department of Clinical Genetics, Copenhagen University Hospital, Rigshospitalet
Classification: Uncertain significance for Familial cancer of breast; Ataxia-telangiectasia syndrome. Last evaluated: 2025-12-10. Review status: criteria provided, single submitter. Criteria: ACMG Guidelines, 2015. Collection method: clinical testing. Allele origin: germline.
Comment: The following ACMG criteria has been used: PM2_SUP (not reported in gnomAD v.4.1; PP3 (Revel score > 0.7333 (score 0.907)). Functional data indicates that the variant affects ATM function (PMID: 40580951)

Center for Genomic Medicine, Rigshospitalet, Copenhagen University Hospital
Classification: Uncertain significance. Last evaluated: 2025-03-04. Review status: criteria provided, single submitter. Criteria: ACMG Guidelines, 2015. Collection method: clinical testing. Allele origin: germline.

Ambry Genetics
Classification: Uncertain significance for Hereditary cancer-predisposing syndrome. Last evaluated: 2025-01-03. Review status: criteria provided, single submitter. Criteria: Ambry Variant Classification Scheme 2023. Collection method: clinical testing. Allele origin: germline.
Comment: The p.W164R variant (also known as c.490T>C), located in coding exon 4 of the ATM gene, results from a T to C substitution at nucleotide position 490. The tryptophan at codon 164 is replaced by arginine, an amino acid with dissimilar properties. This amino acid position is highly conserved in available vertebrate species. In addition, this alteration is predicted to be deleterious by in silico analysis. Based on the available evidence, the clinical significance of this variant remains unclear.

Color Diagnostics, LLC DBA Color Health
Classification: Uncertain significance for Hereditary cancer-predisposing syndrome. Last evaluated: 2023-12-05. Review status: criteria provided, single submitter. Criteria: ACMG Guidelines, 2015. Collection method: clinical testing. Allele origin: germline.
Comment: This missense variant replaces tryptophan with arginine at codon 164 of the ATM protein. Computational prediction suggests that this variant may have deleterious impact on protein structure and function (internally defined REVEL score threshold >= 0.7, PMID: 27666373). To our knowledge, functional studies have not been reported for this variant. This variant has not been reported in individuals affected with ATM-related disorders in the literature. This variant has not been identified in the general population by the Genome Aggregation Database (gnomAD). The available evidence is insufficient to determine the role of this variant in disease conclusively. Therefore, this variant is classified as a Variant of Uncertain Significance.

Labcorp Genetics (formerly Invitae), Labcorp
Classification: Uncertain significance for Ataxia-telangiectasia syndrome. Last evaluated: 2022-07-12. Review status: criteria provided, single submitter. Criteria: Invitae Variant Classification Sherloc (09022015). Collection method: clinical testing. Allele origin: germline.
Comment: This sequence change replaces tryptophan, which is neutral and slightly polar, with arginine, which is basic and polar, at codon 164 of the ATM protein (p.Trp164Arg). This variant is not present in population databases (gnomAD no frequency). This variant has not been reported in the literature in individuals affected with ATM-related conditions. ClinVar contains an entry for this variant (Variation ID: 407717). Advanced modeling of protein sequence and biophysical properties (such as structural, functional, and spatial information, amino acid conservation, physicochemical variation, residue mobility, and thermodynamic stability) performed at Invitae indicates that this missense variant is not expected to disrupt ATM protein function. In summary, the available evidence is currently insufficient to determine the role of this variant in disease. Therefore, it has been classified as a Variant of Uncertain Significance.

Literature cited by the submitters: PubMed 40580951 (cited by Department of Clinical Genetics, Copenhagen University Hospital, Rigshospitalet).

NM_000051.4(ATM):c.490T>C (p.Trp164Arg)

Gene: ATM (ATM serine/threonine kinase; plus strand). Cytogenetic location: 11q22.3.
Variant type: single nucleotide variant.
Coding change: c.490T>C on transcript NM_000051.4 (MANE Select); coding-DNA position 490, T replaced by C.
Protein change: p.Trp164Arg; replaces tryptophan 164 with arginine.
Molecular consequence: missense variant.
Genome position (GRCh38, 1-based): chr11:108,235,828, T>C. VCF-style: chr11-108235828-T-C. GRCh37 (hg19) VCF-style: chr11-108106555-T-C.
Other names: c.490T>C, p.Trp164Arg (NM_001351834.2); short protein forms W164R.
Identifiers: ClinVar variation 407717 (VCV000407717.18), dbSNP rs1060501699, ClinGen allele CA16613241.